The following is an entry in ClinVar:

NM_000222.3(KIT):c.2329G>A (p.Ala777Thr)

Gene: KIT (KIT proto-oncogene, receptor tyrosine kinase; plus strand). Cytogenetic location: 4q12.
Variant type: single nucleotide variant.
Coding change: c.2329G>A on transcript NM_000222.3 (MANE Select); coding-DNA position 2329, G replaced by A.
Protein change: p.Ala777Thr; replaces alanine 777 with threonine.
Molecular consequence: missense variant.
Genome position (GRCh38, 1-based): chr4:54,731,966, G>A. VCF-style: chr4-54731966-G-A. GRCh37 (hg19) VCF-style: chr4-55598132-G-A.
Other names: c.2317G>A, p.Ala773Thr (NM_001093772.2, NM_001385292.1); c.2332G>A, p.Ala778Thr (NM_001385284.1); c.2326G>A, p.Ala776Thr (NM_001385285.1); c.2314G>A, p.Ala772Thr (NM_001385286.1); c.2320G>A, p.Ala774Thr (NM_001385288.1); c.2329G>A, p.Ala777Thr (NM_001385290.1); short protein forms A772T, A773T, A774T, A776T, A777T, A778T.
Identifiers: ClinVar variation 3230670 (VCV003230670.1), dbSNP rs2109795843, ClinGen allele CA356911069.

ClinVar aggregate classification (germline): Uncertain significance (1 of 4 stars; one submission).

Conditions:
Hereditary cancer-predisposing syndrome. Also called: Neoplastic Syndromes, Hereditary; Tumor predisposition; Hereditary neoplastic syndrome; Hereditary Cancer Syndrome. Identifiers: Orphanet 140162, MedGen C0027672, MeSH D009386, MONDO:0015356.

Submission:

Ambry Genetics
Classification: Uncertain significance for Hereditary cancer-predisposing syndrome. Last evaluated: 2024-02-25. Review status: criteria provided, single submitter. Criteria: Ambry Variant Classification Scheme 2023. Collection method: clinical testing. Allele origin: germline.
Comment: The p.A777T variant (also known as c.2329G>A), located in coding exon 16 of the KIT gene, results from a G to A substitution at nucleotide position 2329. The alanine at codon 777 is replaced by threonine, an amino acid with similar properties. This amino acid position is conserved. In addition, this alteration is predicted to be deleterious by in silico analysis. Based on the available evidence, the clinical significance of this alteration remains unclear.